The following is an entry in ClinVar:

NM_000057.4(BLM):c.3623del (p.Val1208fs)

Gene: BLM (BLM RecQ like helicase; plus strand). Cytogenetic location: 15q26.1.
Variant type: Deletion.
Coding change: c.3623del on transcript NM_000057.4 (MANE Select); coding-DNA position 3623, one base deleted (T; older notation c.3623delT).
Protein change: p.Val1208fs; shifts the reading frame from valine 1208.
Molecular consequence: frameshift variant. On other transcripts: intron variant (1).
Genome position (GRCh38, 1-based): chr15:90,804,231, T deleted. VCF-style (leftmost placement, unchanged base first): chr15-90804230-GT-G. GRCh37 (hg19) VCF-style: chr15-91347460-GT-G.
Other names: c.3623del, p.Val1208fs (NM_001287246.2); c.2498del, p.Val833fs (NM_001287248.2); c.3359-4906del (NM_001287247.2); short protein forms V1208fs, V833fs.
Identifiers: ClinVar variation 4815878 (VCV004815878.1).

ClinVar aggregate classification (germline): Likely pathogenic (1 of 4 stars; one submission).

Conditions:
Bloom syndrome (BLM). Also called: Bloom-Torre-Machacek syndrome. Identifiers: Orphanet 125, MedGen C0005859, MONDO:0008876, OMIM 210900.

Submission:

Natera, Inc.
Classification: Likely pathogenic for Bloom syndrome. Last evaluated: 2024-11-26. Review status: criteria provided, single submitter. Criteria: Natera Variant Classification Schema (03/2026). Collection method: clinical testing. Allele origin: germline.
Comment: The c.3623del variant in BLM is a frameshift variant predicted to shift the reading frame beginning at codon 1208 and leads to a stop codon 71 codons downstream. This variant is expected to result in nonsense mediated decay, truncation, or a dysfunctional protein product. This variant is rare in the general population with a frequency below the threshold expected for the associated phenotype(s). Given the available evidence, this variant is classified as Likely Pathogenic.